The following is an entry in ClinVar:

NM_006206.6(PDGFRA):c.82C>T (p.Pro28Ser)

Gene: PDGFRA (platelet derived growth factor receptor alpha; plus strand). Cytogenetic location: 4q12.
Variant type: single nucleotide variant.
Coding change: c.82C>T on transcript NM_006206.6 (MANE Select); coding-DNA position 82, C replaced by T.
Protein change: p.Pro28Ser; replaces proline 28 with serine.
Molecular consequence: missense variant.
Genome position (GRCh38, 1-based): chr4:54,261,127, C>T. VCF-style: chr4-54261127-C-T. GRCh37 (hg19) VCF-style: chr4-55127294-C-T.
Other names: c.82C>T, p.Pro28Ser (NM_001347827.2, NM_001347829.2); c.157C>T, p.Pro53Ser (NM_001347828.2); c.121C>T, p.Pro41Ser (NM_001347830.2); short protein forms P28S, P53S, P41S.
Identifiers: ClinVar variation 2122960 (VCV002122960.4), dbSNP rs2475421264, ClinGen allele CA356888210.

ClinVar aggregate classification (germline): Uncertain significance (1 of 4 stars; one submission).

Conditions:
Gastrointestinal stromal tumor. Also called: Gastrointestinal stroma tumor; Gastrointestinal stromal tumor, somatic. Identifiers: Orphanet 44890, MedGen C0238198, MeSH D046152, MONDO:0011719, OMIM 606764, HP:0100723.

Submission:

Labcorp Genetics (formerly Invitae), Labcorp
Classification: Uncertain significance for Gastrointestinal stromal tumor. Last evaluated: 2022-04-08. Review status: criteria provided, single submitter. Criteria: Invitae Variant Classification Sherloc (09022015). Collection method: clinical testing. Allele origin: germline.
Comment: This variant is not present in population databases (gnomAD no frequency). This sequence change replaces proline, which is neutral and non-polar, with serine, which is neutral and polar, at codon 28 of the PDGFRA protein (p.Pro28Ser). This variant has not been reported in the literature in individuals affected with PDGFRA-related conditions. In summary, the available evidence is currently insufficient to determine the role of this variant in disease. Therefore, it has been classified as a Variant of Uncertain Significance. Algorithms developed to predict the effect of missense changes on protein structure and function are either unavailable or do not agree on the potential impact of this missense change (SIFT: "Deleterious"; PolyPhen-2: "Probably Damaging"; Align-GVGD: "Class C0").